The following is an entry in ClinVar:

ClinVar aggregate classification (germline): Uncertain significance. Review status: criteria provided, multiple submitters, no conflicts (2 of 4 stars). 2 submissions from 2 submitters: Uncertain significance (2). Last evaluated 2023-05-31.

Conditions:
Inborn genetic diseases. Identifiers: MedGen C0950123, MeSH D030342.
Severe combined immunodeficiency, autosomal recessive, T cell-negative, B cell-negative, NK cell-positive. Also called: SCID, T CELL-NEGATIVE, B CELL-NEGATIVE, NK CELL-POSITIVE; SCID, AR, T-cell negative, B-cell negative, NK cell-positive; Severe combined immunodeficiency due to complete RAG1/2 deficiency. Identifiers: Orphanet 331206, MedGen C1832322, MONDO:0011086, OMIM 601457.
Combined immunodeficiency with skin granulomas. Identifiers: Orphanet 157949, MedGen C2673536, MONDO:0009306, OMIM 233650.

Allele frequency attached by ClinVar (database versions not stated): gnomAD 0.00001; gnomAD exomes 0.00001 and 0.00002; ExAC 0.00002; TOPMed 0.00002.
gnomAD v4.1: 12 of 1,614,136 alleles (0.00074%); highest among the groups gnomAD compares: Non-Finnish European, 0.001%; no homozygotes.

Submissions (2):

Ambry Genetics
Classification: Uncertain significance for Inborn genetic diseases. Last evaluated: 2023-05-31. Review status: criteria provided, single submitter. Criteria: Ambry Variant Classification Scheme 2023. Collection method: clinical testing. Allele origin: germline.

Labcorp Genetics (formerly Invitae), Labcorp
Classification: Uncertain significance for Combined immunodeficiency with skin granulomas; Severe combined immunodeficiency, autosomal recessive, T cell-negative, B cell-negative, NK cell-positive. Last evaluated: 2022-08-28. Review status: criteria provided, single submitter. Criteria: Invitae Variant Classification Sherloc (09022015). Collection method: clinical testing. Allele origin: germline.
Comment: This sequence change replaces lysine, which is basic and polar, with arginine, which is basic and polar, at codon 419 of the RAG1 protein (p.Lys419Arg). This variant is present in population databases (rs780974569, gnomAD 0.004%). This variant has not been reported in the literature in individuals affected with RAG1-related conditions. ClinVar contains an entry for this variant (Variation ID: 641925). Algorithms developed to predict the effect of missense changes on protein structure and function are either unavailable or do not agree on the potential impact of this missense change (SIFT: "Deleterious"; PolyPhen-2: "Probably Damaging"; Align-GVGD: "Class C0"). In summary, the available evidence is currently insufficient to determine the role of this variant in disease. Therefore, it has been classified as a Variant of Uncertain Significance.

NM_000448.3(RAG1):c.1256A>G (p.Lys419Arg)

Gene: RAG1 (recombination activating 1; plus strand). Cytogenetic location: 11p12.
Variant type: single nucleotide variant.
Coding change: c.1256A>G on transcript NM_000448.3 (MANE Select); coding-DNA position 1256, A replaced by G.
Protein change: p.Lys419Arg; replaces lysine 419 with arginine.
Molecular consequence: missense variant.
Genome position (GRCh38, 1-based): chr11:36,574,560, A>G. VCF-style: chr11-36574560-A-G. GRCh37 (hg19) VCF-style: chr11-36596110-A-G.
Other names: c.1256A>G, p.Lys419Arg (NM_001377277.1, NM_001377278.1, NM_001377279.1 and 1 more transcripts); short protein forms K419R.
Identifiers: ClinVar variation 641925 (VCV000641925.9), dbSNP rs780974569, ClinGen allele CA5950120.